The following is an entry in ClinVar:

ClinVar aggregate classification (germline): Uncertain significance (1 of 4 stars; one submission).

Conditions:
Cardiomyopathy (CMYO). Also called: Cardiomyopathies. Identifiers: Orphanet 167848, MedGen C0878544, MONDO:0004994, HP:0001638. Inheritance: Various modes of inheritance.

Allele frequency attached by ClinVar (database versions not stated): gnomAD exomes below 0.00001.
gnomAD v4.1: 1 of 1,582,056 alleles (0.000063%); highest among the groups gnomAD compares: Non-Finnish European, 0.000086%; no homozygotes.

Submission:

Color Diagnostics, LLC DBA Color Health
Classification: Uncertain significance for Cardiomyopathy. Last evaluated: 2023-06-13. Review status: criteria provided, single submitter. Criteria: ACMG Guidelines, 2015. Collection method: clinical testing. Allele origin: germline.
Comment: This missense variant replaces lysine with asparagine at codon 2854 of the RYR2 protein. Computational prediction suggests that this variant may have deleterious impact on protein structure and function (internally defined REVEL score threshold >= 0.7, PMID: 27666373). To our knowledge, functional studies have not been reported for this variant. This variant has not been reported in individuals affected with RYR2-related disorders in the literature. This variant has not been identified in the general population by the Genome Aggregation Database (gnomAD). The available evidence is insufficient to determine the role of this variant in disease conclusively. Therefore, this variant is classified as a Variant of Uncertain Significance.

NM_001035.3(RYR2):c.8562G>T (p.Lys2854Asn)

Gene: RYR2 (ryanodine receptor 2; plus strand). Cytogenetic location: 1q43.
Variant type: single nucleotide variant.
Coding change: c.8562G>T on transcript NM_001035.3 (MANE Select); coding-DNA position 8562, G replaced by T.
Protein change: p.Lys2854Asn; replaces lysine 2854 with asparagine.
Molecular consequence: missense variant.
Genome position (GRCh38, 1-based): chr1:237,667,930, G>T. VCF-style: chr1-237667930-G-T. GRCh37 (hg19) VCF-style: chr1-237831230-G-T.
Other names: short protein forms K2854N.
Identifiers: ClinVar variation 2774351 (VCV002774351.2), dbSNP rs2547168623, ClinGen allele CA345402549.